The following is an entry in ClinVar:

ClinVar aggregate classification (germline): Likely pathogenic (1 of 4 stars; one submission).

Conditions:
Cardiovascular phenotype. Identifiers: MedGen CN230736.
Hereditary cancer-predisposing syndrome. Also called: Neoplastic Syndromes, Hereditary; Tumor predisposition; Hereditary neoplastic syndrome; Hereditary Cancer Syndrome. Identifiers: Orphanet 140162, MedGen C0027672, MeSH D009386, MONDO:0015356.

Submission:

Ambry Genetics
Classification: Likely pathogenic for Cardiovascular phenotype; Hereditary cancer-predisposing syndrome. Last evaluated: 2026-07-10. Review status: criteria provided, single submitter. Criteria: Ambry Variant Classification Scheme 2023. Collection method: clinical testing. Allele origin: germline.
Comment: The c.651G>T variant (also known as p.E217D), located in coding exon 7 of the LZTR1 gene, results from a G to T substitution at nucleotide position 651. The amino acid change results in glutamic acid to aspartic acid at codon 217, an amino acid with highly similar properties. However, this change occurs in the last base pair of coding exon 7, which makes it likely to have some effect on normal mRNA splicing. Other variant(s) impacting the same donor site (c.650A>C, p.E217A) have been identified in the homozygous state in an individuals with features consistent with Noonan syndrome (Johnston JJ et al. Genet Med, 2018 Oct;20:1175-1185). This variant is considered to be rare based on population cohorts in the Genome Aggregation Database (gnomAD). The nucleotide and amino acid positions are highly conserved in available vertebrate species. In silico splice site analysis predicts that this alteration will weaken the native splice donor site and may result in the creation or strengthening of a novel splice donor site. In addition, this alteration is predicted to be tolerated by in silico analysis. In addition, as a missense substitution this is predicted to be tolerated by in silico analysis. Loss-of-function variants in LZTR1 are related to an increased risk for schwannomas and autosomal recessive Noonan syndrome; however, such associations with autosomal dominant Noonan syndrome have not been observed (Piotrowski A et al. Nat Genet. 2014 Feb;46:182-7; Yamamoto GL et al. J Med Genet. 2015 Jun;52:413-21; Johnston JJ et al. Genet Med. 2018 10;20:1175-1185). Based on the supporting evidence, this variant is likely pathogenic for an increased risk of LZTR1-related schwannomatosis (SWN) and would be expected to cause autosomal recessive Noonan syndrome when present along with a second pathogenic or likely pathogenic variant on the other allele; however, the association of this variant with autosomal dominant Noonan syndrome is unlikely.

NM_006767.4(LZTR1):c.651G>T (p.Glu217Asp)

Gene: LZTR1 (leucine zipper like post translational regulator 1; plus strand). Cytogenetic location: 22q11.21.
Variant type: single nucleotide variant.
Coding change: c.651G>T on transcript NM_006767.4 (MANE Select); coding-DNA position 651, G replaced by T.
Protein change: p.Glu217Asp; replaces glutamic acid 217 with aspartic acid.
Molecular consequence: missense variant.
Genome position (GRCh38, 1-based): chr22:20,989,682, G>T. VCF-style: chr22-20989682-G-T. GRCh37 (hg19) VCF-style: chr22-21343971-G-T.
Other names: short protein forms E217D.
Identifiers: ClinVar variation 5023757 (VCV005023757.1).
Genomic context (GRCh38, chr22:20,989,682, plus strand): 5'-CAGGTTGAATGACATGTGGACAATTGGCCTCCAGGACCGAGAGCTCACCTGCTGGGAGGA[G>T]GTGAGGGGCGTGGGGAGCCAGGGCGCAGGTAGAGGAGGTGAGGGGCACGGGGAGCCAGGG-3'
Protein context (NP_006758.2, residues 207-227): LQDRELTCWE[Glu217Asp]VAQSGEIPPS